The following is an entry in ClinVar:

NM_007194.4(CHEK2):c.782C>G (p.Ala261Gly)

Gene: CHEK2 (checkpoint kinase 2; minus strand). Cytogenetic location: 22q12.1.
Variant type: single nucleotide variant.
Coding change: c.782C>G on transcript NM_007194.4 (MANE Select); coding-DNA position 782, C replaced by G.
Protein change: p.Ala261Gly; replaces alanine 261 with glycine.
Molecular consequence: missense variant.
Genome position (GRCh38, 1-based): chr22:28,711,919, G>C on the plus strand (C>G on the coding strand, the complement: CHEK2 is on the minus strand). VCF-style: chr22-28711919-G-C. GRCh37 (hg19) VCF-style: chr22-29107907-G-C.
Other names: c.911C>G, p.Ala304Gly (NM_001005735.3, NM_001438294.1); c.119C>G, p.Ala40Gly (NM_001257387.3, NM_001437942.1); c.581C>G, p.Ala194Gly (NM_001349956.3); c.875C>G, p.Ala292Gly (NM_001438293.1, NM_001438295.1); c.782C>G, p.Ala261Gly (NM_145862.3); short protein forms A292G, A40G, A194G, A261G, A304G.
Identifiers: ClinVar variation 4635021 (VCV004635021.1).

ClinVar aggregate classification (germline): Uncertain significance (1 of 4 stars; one submission).

Conditions:
Hereditary cancer-predisposing syndrome. Also called: Neoplastic Syndromes, Hereditary; Tumor predisposition; Hereditary Cancer Syndrome; Hereditary neoplastic syndrome. Identifiers: Orphanet 140162, MedGen C0027672, MeSH D009386, MONDO:0015356.

Submission:

Ambry Genetics
Classification: Uncertain significance for Hereditary cancer-predisposing syndrome. Last evaluated: 2025-12-01. Review status: criteria provided, single submitter. Criteria: Ambry Variant Classification Scheme 2023. Collection method: clinical testing. Allele origin: germline.
Comment: The p.A261G variant (also known as c.782C>G), located in coding exon 5 of the CHEK2 gene, results from a C to G substitution at nucleotide position 782. The alanine at codon 261 is replaced by glycine, an amino acid with similar properties. This amino acid position is conserved. In addition, this alteration is predicted to be tolerated by in silico analysis. Based on the available evidence, the clinical significance of this variant remains unclear.